The following is an entry in ClinVar:

NM_016628.5(WAC):c.1280_1281del (p.Ser427fs)

Gene: WAC (WW domain containing adaptor with coiled-coil; plus strand). Cytogenetic location: 10p12.1.
Variant type: Microsatellite.
Coding change: c.1280_1281del on transcript NM_016628.5 (MANE Select); coding-DNA positions 1280 to 1281, 2 bases deleted (CT; older notation c.1280_1281delCT).
Protein change: p.Ser427fs; shifts the reading frame from serine 427.
Molecular consequence: frameshift variant.
Genome position (GRCh38, 1-based): chr10:28,610,813-28,610,814, CT deleted; deleting any 2 consecutive bases within chr10:28,610,809-28,610,814 gives the same sequence; the c. name uses the placement nearest the transcript's 3' end. VCF-style (leftmost placement, unchanged base first): chr10-28610808-GCT-G. GRCh37 (hg19) VCF-style: chr10-28899737-GCT-G.
Other names: c.1145_1146del, p.Ser382fs (NM_100264.3); c.971_972del, p.Ser324fs (NM_100486.4); short protein forms S324fs, S382fs, S427fs.
Identifiers: ClinVar variation 1679141 (VCV001679141.1), dbSNP rs2132826154, ClinGen allele CA2580615447.

ClinVar aggregate classification (germline): Likely pathogenic (1 of 4 stars; one submission).

Conditions:
DeSanto-Shinawi syndrome due to WAC point mutation (DESSH). Also called: WAC-Related Intellectual Disability; Facial dysmorphism-developmental delay-behavioral abnormalities syndrome due to WAC point mutation; DEVELOPMENTAL DELAY, BEHAVIORAL ABNORMALITIES, FACIAL DYSMORPHISM, AND OCULAR ABNORMALITIES. Identifiers: Orphanet 284169, Orphanet 466950, MedGen C5681129, MONDO:0014741, OMIM 616708.

Submission:

Institute of Human Genetics, University of Leipzig Medical Center
Classification: Likely pathogenic for DeSanto-Shinawi syndrome due to WAC point mutation. Last evaluated: 2022-03-15. Review status: criteria provided, single submitter. Criteria: ACMG Guidelines, 2015. Collection method: clinical testing. Allele origin: unknown. Affected: yes.
Comment: _x000D_ Criteria applied: PVS1, PM2_SUP